The following is an entry in ClinVar:

ClinVar aggregate classification (germline): Pathogenic (1 of 4 stars; one submission).

Conditions:
Hereditary cancer-predisposing syndrome. Also called: Tumor predisposition; Hereditary Cancer Syndrome; Hereditary neoplastic syndrome; Neoplastic Syndromes, Hereditary. Identifiers: Orphanet 140162, MedGen C0027672, MeSH D009386, MONDO:0015356.

Submission:

Ambry Genetics
Classification: Pathogenic for Hereditary cancer-predisposing syndrome. Last evaluated: 2023-06-21. Review status: criteria provided, single submitter. Criteria: Ambry Variant Classification Scheme 2023. Collection method: clinical testing. Allele origin: germline.
Comment: The p.Q324* pathogenic mutation (also known as c.970C>T), located in coding exon 10 of the NF2 gene, results from a C to T substitution at nucleotide position 970. This changes the amino acid from a glutamine to a stop codon within coding exon 10. This alteration has been observed in at least one individual with a personal and/or family history that is consistent with NF2-related disease (Ambry internal data). This variant is considered to be rare based on population cohorts in the Genome Aggregation Database (gnomAD). This alteration is expected to result in loss of function by premature protein truncation or nonsense-mediated mRNA decay. As such, this alteration is interpreted as a disease-causing mutation.

NM_000268.4(NF2):c.970C>T (p.Gln324Ter)

Gene: NF2 (NF2, moesin-ezrin-radixin like (MERLIN) tumor suppressor; plus strand). Cytogenetic location: 22q12.2.
Variant type: single nucleotide variant.
Coding change: c.970C>T on transcript NM_000268.4 (MANE Select); coding-DNA position 970, C replaced by T.
Protein change: p.Gln324Ter; replaces glutamine 324 with a stop codon.
Molecular consequence: nonsense. On other transcripts: non-coding transcript variant (1), intron variant (1).
Genome position (GRCh38, 1-based): chr22:29,668,417, C>T. VCF-style: chr22-29668417-C-T. GRCh37 (hg19) VCF-style: chr22-30064406-C-T.
Other names: c.856C>T, p.Gln286Ter (NM_001407053.1, NM_001407056.1); c.847C>T, p.Gln283Ter (NM_001407054.1, NM_001407058.1, NM_181829.3); c.844C>T, p.Gln282Ter (NM_001407055.1, NM_181828.3); c.835C>T, p.Gln279Ter (NM_001407057.1, NM_001407059.1); c.970C>T, p.Gln324Ter (NM_001407060.1, NM_001407066.1, NM_016418.5 and 2 more transcripts); c.712C>T, p.Gln238Ter (NM_001407062.1); c.721C>T, p.Gln241Ter (NM_001407063.1, NM_001407064.1, NM_181830.3 and 1 more transcripts); c.436C>T, p.Gln146Ter (NM_001407065.1); and 2 more; short protein forms Q146*, Q241*, Q247*, Q286*, Q324*, Q283*, Q238*, Q279*.
Identifiers: ClinVar variation 2587693 (VCV002587693.2), dbSNP rs74315500, ClinGen allele CA323114542.
Genomic context (GRCh38, chr22:29,668,417, plus strand): 5'-CATGATCTATTTATGAGGAGAAGGAAAGCCGATTCTTTGGAAGTTCAGCAGATGAAAGCC[C>T]AGGCCAGGGAGGAGAAGGCTAGAAAGCAGGTGAGCACAACCTTGTTTTAACTGATGATGT-3'